The following is an entry in ClinVar:

ClinVar aggregate classification (germline): Benign/Likely benign. Review status: criteria provided, multiple submitters, no conflicts (2 of 4 stars). 11 submissions from 11 submitters: Benign (4); Likely benign (6). 1 of the submissions does not count toward it. Last evaluated 2026-04-10.

Conditions:
DICER1-related tumor predisposition. Also called: DICER1 syndrome; DICER1-related pleuropulmonary blastoma cancer predisposition syndrome. Identifiers: Orphanet 284343, MedGen C3839822, MONDO:0100216.
Hereditary cancer-predisposing syndrome. Also called: Tumor predisposition; Hereditary Cancer Syndrome; Neoplastic Syndromes, Hereditary; Hereditary neoplastic syndrome. Identifiers: Orphanet 140162, MedGen C0027672, MeSH D009386, MONDO:0015356.

Allele frequency attached by ClinVar (database versions not stated): gnomAD exomes 0.00059; ExAC 0.00073; 1000 Genomes Project 0.00160; 1000 Genomes Project 30x 0.00172; gnomAD 0.00202 and 0.00218; ESP Exome Variant Server 0.00208; TOPMed 0.00219.
gnomAD v4.1: 638 of 1,613,240 alleles (0.04%); highest among the groups gnomAD compares: African/African-American, 0.69%; 3 homozygotes.

Submissions (11):

Myriad Genetics, Inc.
Classification: Likely benign for DICER1-related tumor predisposition. Last evaluated: 2026-04-10. Review status: criteria provided, single submitter. Criteria: Myriad Autosomal Dominant, Autosomal Recessive and X-Linked Classification Criteria (2023). Collection method: clinical testing. Allele origin: unknown.
Comment: This variant is considered likely benign. This variant has been observed at a population frequency that is significantly greater than expected given the associated disease prevalence and penetrance.

Labcorp Genetics (formerly Invitae), Labcorp
Classification: Benign for DICER1-related tumor predisposition. Last evaluated: 2026-02-04. Review status: criteria provided, single submitter. Criteria: Invitae Variant Classification Sherloc (09022015). Collection method: clinical testing. Allele origin: germline.

CeGaT Center for Human Genetics Tuebingen
Classification: Likely benign. Last evaluated: 2026-02-01. Review status: criteria provided, single submitter. Criteria: CeGaT Center For Human Genetics Tuebingen Variant Classification Criteria Version 2. Collection method: clinical testing. Allele origin: germline. Affected: yes. Observed: 1 variant allele.
Comment: DICER1: BP4, BS1

Dasa
Classification: Benign. Last evaluated: 2025-11-19. Review status: criteria provided, single submitter. Criteria: DASA Assertion Criteria. Collection method: clinical testing. Allele origin: germline.
Comment: NM_177438.3(DICER1):c.485G>A (p.Gly162Asp) is a missense variant that results in the substitution of glycine with aspartic acid. Population frequency is inconsistent with a disease-causing role for this variant, and observations in unaffected individuals support a benign interpretation. Therefore, based on the currently available evidence, this variant is classified as benign.

Blueprint Genetics
Classification: Likely benign. Last evaluated: 2024-11-07. Review status: criteria provided, single submitter. Criteria: ACMG Guidelines, 2015. Collection method: clinical testing. Allele origin: germline.

ARUP Laboratories, Molecular Genetics and Genomics, ARUP Laboratories
Classification: Likely benign. Last evaluated: 2022-12-28. Review status: criteria provided, single submitter. Criteria: ARUP Molecular Germline Variant Investigation Process 2024. Collection method: clinical testing. Allele origin: germline.

Sema4
Classification: Benign for Hereditary cancer-predisposing syndrome. Last evaluated: 2020-09-29. Review status: criteria provided, single submitter. Criteria: Sema4 Curation Guidelines. Collection method: curation. Allele origin: germline.

Foulkes Cancer Genetics LDI, Lady Davis Institute for Medical Research
Classification: Likely benign. Last evaluated: 2019-07-01. Review status: criteria provided, single submitter. Criteria: ACMG Guidelines, 2015. Collection method: curation. Allele origin: germline, unknown. Affected: yes. Observed: 3 variant alleles.
Comment: ACMG criteria met: BS1, BP1, BP4

Ambry Genetics
Classification: Likely benign for Hereditary cancer-predisposing syndrome. Last evaluated: 2019-02-19. Review status: criteria provided, single submitter. Criteria: Ambry Variant Classification Scheme 2023. Collection method: clinical testing. Allele origin: germline.

GeneDx
Classification: Benign. Last evaluated: 2017-08-24. Review status: criteria provided, single submitter. Criteria: GeneDx Variant Classification (06012015). Collection method: clinical testing. Allele origin: germline. Affected: yes.
Comment: This variant is considered likely benign or benign based on one or more of the following criteria: it is a conservative change, it occurs at a poorly conserved position in the protein, it is predicted to be benign by multiple in silico algorithms, and/or has population frequency not consistent with disease.

Genetic Services Laboratory, University of Chicago
Classification: Benign. Last evaluated: 2022-05-12. Review status: no assertion criteria provided. Collection method: clinical testing. Allele origin: germline. Affected: no. Not counted in ClinVar's aggregate classification.

Literature cited by the submitters: PubMed 28825729 (cited by Foulkes Cancer Genetics LDI, Lady Davis Institute for Medical Research).

NM_177438.3(DICER1):c.485G>A (p.Gly162Asp)

Gene: DICER1 (dicer 1, ribonuclease III; minus strand). Cytogenetic location: 14q32.13.
Variant type: single nucleotide variant.
Coding change: c.485G>A on transcript NM_177438.3 (MANE Select); coding-DNA position 485, G replaced by A.
Protein change: p.Gly162Asp; replaces glycine 162 with aspartic acid.
Molecular consequence: missense variant.
Genome position (GRCh38, 1-based): chr14:95,130,146, C>T on the plus strand (G>A on the coding strand, the complement: DICER1 is on the minus strand). VCF-style: chr14-95130146-C-T. GRCh37 (hg19) VCF-style: chr14-95596483-C-T.
Other names: c.485G>A, p.Gly162Asp (NM_001195573.1, NM_001271282.3, NM_001291628.2 and 1 more transcripts); short protein forms G162D.
Identifiers: ClinVar variation 242123 (VCV000242123.28), dbSNP rs142815547, ClinGen allele CA7331649.